The following is an entry in ClinVar:

ClinVar aggregate classification (germline): Likely pathogenic. Review status: criteria provided, multiple submitters, no conflicts (2 of 4 stars). 3 submissions from 3 submitters: Likely pathogenic (3). Last evaluated 2026-05-14.

Conditions:
Autosomal recessive limb-girdle muscular dystrophy type 2J (LGMDR10). Also called: MUSCULAR DYSTROPHY, LIMB-GIRDLE, AUTOSOMAL RECESSIVE 10; Limb-girdle muscular dystrophy, type 2J. Identifiers: Orphanet 140922, MedGen C1837342, MONDO:0012127, OMIM 608807.
Dilated cardiomyopathy 1G (CMD1G). Identifiers: Orphanet 154, MedGen C1858763, MONDO:0011400, OMIM 604145.
TTN-related disorder. Also called: TTN-related condition; TTN-related disease; TTN-related disorders.
Cardiovascular phenotype. Identifiers: MedGen CN230736.

Submissions (3):

PreventionGenetics, part of Exact Sciences
Classification: Likely pathogenic for TTN-related condition. Last evaluated: 2026-05-14. Review status: criteria provided, single submitter. Criteria: ACMG Guidelines, 2015. Collection method: clinical testing. Allele origin: germline.
Comment: The TTN c.101728G>T variant is predicted to result in premature protein termination (p.Glu33910*). To our knowledge, this variant has not been reported in the literature or in a large population database (gnomAD), indicating this variant is rare. This variant occurs in exon 358 which is located in the M-band region of the TTN protein. Exons 358-363 (Mex1-Mex6) have historically been found to harbor a significant number of pathogenic variants for TTN-related autosomal dominant and recessive muscle disorders (Hackman et al. 2002. PMID: 12145747; Evilä et al. 2014. PMID: 24395473). Other protein truncating variants in this exon (eg. c.101021_101022del, c.101098_101099insT, c.101996G>A) have been reported in individuals with dilated cardiomyopathy (Roberts et al. 2015. PMID: 25589632). RNAseq studies from heart tissue indicate this exon is commonly included in TTN mRNA transcripts (PSI of 100%, Roberts et al. 2015. PMID: 25589632). TTN truncating variants are reported in 1-2% of presumably healthy individuals, but occur more frequently in exons with low PSI values (Roberts et al. 2015. PMID: 25589632; Herman et al. 2012. PMID: 22335739). Many cases of recessive congenital TTN-related myopathies in which the individual is compound heterozygous for two loss of function variants in TTN have also been reported (See Ceyhan-Birsoy et al. 2013. PMID: 23975875; Chauveau et al. 2014. PMID: 24105469; Evilä et al. 2016. PMID: 27796757; Ge et al. 2019. PubMed ID: 31053406). Nonsense variants in TTN are expected to be pathogenic. This variant is interpreted as likely pathogenic.

Ambry Genetics
Classification: Likely pathogenic for Cardiovascular phenotype. Last evaluated: 2025-06-20. Review status: criteria provided, single submitter. Criteria: Ambry Variant Classification Scheme 2023. Collection method: clinical testing. Allele origin: germline.
Comment: The p.E24845* variant (also known as c.74533G>T), located in coding exon 185 of the TTN gene, results from a G to T substitution at nucleotide position 74533. This changes the amino acid from a glutamic acid to a stop codon within coding exon 185. This exon is located in the M-band region of the N2-B isoform of the titin protein and is constitutively expressed in TTN transcripts (percent spliced in or PSI 100%). This variant is considered to be rare based on population cohorts in the Genome Aggregation Database (gnomAD). This variant is expected to result in loss of function by premature protein truncation or nonsense-mediated mRNA decay. While truncating variants in TTN are present in 1-3% of the general population, truncating variants in the M-band have been reported in association with autosomal recessive titinopathies, primarily presenting with skeletal myopathy phenotypes (Ceyhan-Birsoy O et al. Neurology. 2013 Oct 1;81(14):1205-14; De Cid R et al. Neurology. 2015;85(24):2126-35). Truncating variants in coding exon 185 of the M-band of the N2-B isoform have also been specifically associated with autosomal dominant dilated cardiomyopathy (Vatta M et al. Circ GenomPrecis Med. 2025 Feb:e004982). More generally, TTN truncating variants encoded in constitutive exons (PSI >90%) have been found to be significantly associated with dilated cardiomyopathy (DCM) regardless of their position, although truncating variants in the A-band are the most common cause of DCM (Herman DS et al. N. Engl. J. Med., 2012 Feb;366:619-28; Roberts AM et al. Sci Transl Med, 2015 Jan;7:270ra6; Schafer S et al. Nat. Genet., 2017 01;49:46-53; Akhtar MM et al. Circ Heart Fail, 2020 Oct;13:e006832; Massier M et al. Clin Genet, 2025 Jan). Based on the majority of available evidence to date, this variant is likely to be pathogenic.

Labcorp Genetics (formerly Invitae), Labcorp
Classification: Likely pathogenic for Dilated cardiomyopathy 1G; Autosomal recessive limb-girdle muscular dystrophy type 2J. Last evaluated: 2023-12-06. Review status: criteria provided, single submitter. Criteria: Invitae Variant Classification Sherloc (09022015). Collection method: clinical testing. Allele origin: germline.
Comment: This sequence change creates a premature translational stop signal (p.Glu33910*) in the TTN gene. While this is not anticipated to result in nonsense mediated decay, it is expected to create a truncated TTN protein. This variant is not present in population databases (gnomAD no frequency). This variant has not been reported in the literature in individuals affected with TTN-related conditions. ClinVar contains an entry for this variant (Variation ID: 580335). This variant is located in the M band of TTN (PMID: 25589632). Truncating variants in this region have been previously reported in individuals affected with autosomal recessive myopathy and muscular dystrophy (PMID: 18948003, 23975875, 24395473). Truncating variants in this region have also been identified in individuals affected with autosomal dominant dilated cardiomyopathy and/or cardio-related conditions (PMID: 27869827, 32964742). In summary, the currently available evidence indicates that the variant is pathogenic, but additional data are needed to prove that conclusively. Therefore, this variant has been classified as Likely Pathogenic.

Literature cited by the submitters: PubMed 25589632 (cited by Labcorp Genetics (formerly Invitae), Labcorp); PubMed 18948003 (cited by Labcorp Genetics (formerly Invitae), Labcorp); PubMed 23975875 (cited by Labcorp Genetics (formerly Invitae), Labcorp); PubMed 24395473 (cited by Labcorp Genetics (formerly Invitae), Labcorp); PubMed 27869827 (cited by Labcorp Genetics (formerly Invitae), Labcorp); PubMed 32964742 (cited by Labcorp Genetics (formerly Invitae), Labcorp).

NM_001267550.2(TTN):c.101728G>T (p.Glu33910Ter)

Genes: TTN (titin; minus strand), TTN-AS1 (TTN antisense RNA 1; plus strand). Cytogenetic location: 2q31.2.
Variant type: single nucleotide variant.
Coding change: c.101728G>T on transcript NM_001267550.2 (MANE Select); coding-DNA position 101728, G replaced by T.
Protein change: p.Glu33910Ter; replaces glutamic acid 33910 with a stop codon.
Molecular consequence: nonsense.
Genome position (GRCh38, 1-based): chr2:178,534,887, C>A on the plus strand (G>T on the coding strand, the complement: TTN is on the minus strand). VCF-style: chr2-178534887-C-A. GRCh37 (hg19) VCF-style: chr2-179399614-C-A.
Other names: c.96805G>T, p.Glu32269Ter (NM_001256850.1); c.74533G>T, p.Glu24845Ter (NM_003319.4); c.94024G>T, p.Glu31342Ter (NM_133378.4); c.74908G>T, p.Glu24970Ter (NM_133432.3); c.75109G>T, p.Glu25037Ter (NM_133437.4); short protein forms E33910*, E24970*, E25037*, E31342*, E24845*, E32269*.
Identifiers: ClinVar variation 580335 (VCV000580335.15), dbSNP rs943777958, ClinGen allele CA349419783.